The following is an entry in ClinVar:

ClinVar aggregate classification (germline): Benign/Likely benign. Review status: criteria provided, multiple submitters, no conflicts (2 of 4 stars). 15 submissions from 12 submitters: Benign (5); Likely benign (10). Last evaluated 2026-02-01.

Conditions:
Dyskeratosis congenita, autosomal dominant 2. Identifiers: MedGen C3151443, MONDO:0013521, OMIM 613989.
Idiopathic Pulmonary Fibrosis. Also called: Idiopathic fibrosing alveolitis, chronic form; idiopathic fibrosing alveolitis. Identifiers: Orphanet 2032, MedGen C1800706, MeSH D054990, MONDO:0800504.
Aplastic anemia. Identifiers: Orphanet 182040, Orphanet 88, MedGen C0002874, MONDO:0015909, OMIM 609135, HP:0001915.
Interstitial lung disease 2 (ILD2). Also called: Familial idiopathic pulmonary fibrosis; FIBROCYSTIC PULMONARY DYSPLASIA; FIBROSING ALVEOLITIS, CRYPTOGENIC. Identifiers: Orphanet 2032, Orphanet 79126, MedGen C5561926, MONDO:0800497, OMIM 178500, MONDO:0800029.
Melanoma, cutaneous malignant, susceptibility to, 9. Also called: Cutaneous malignant melanoma 9. Identifiers: Orphanet 618, MedGen C3554574, MONDO:0014056, OMIM 615134.
Pulmonary fibrosis and/or bone marrow failure, Telomere-related, 1. Also called: PULMONARY FIBROSIS AND/OR BONE MARROW FAILURE SYNDROME, TELOMERE-RELATED, 1. Identifiers: Orphanet 88, MedGen C3553617, MONDO:0013878, OMIM 614742.
Dyskeratosis congenita, autosomal dominant 1 (DKCA1). Also called: Dyskeratosis congenita Scoggins type. Identifiers: Orphanet 1775, MedGen C4551974, MONDO:0007485, OMIM 127550. Inheritance: Variable.
Acute myeloid leukemia (AML). Also called: Leukemia, acute myeloid, somatic; Acute myeloid leukemia, adult; AML adult; Acute non-lymphocytic leukemia; Acute granulocytic leukemia; Leukemia, acute myelogenous, somatic. Identifiers: Orphanet 519, MedGen C0023467, MeSH D015470, MONDO:0018874, OMIM 601626, HP:0004808. Disease mechanism: Constitutively activated FLT3.
Dyskeratosis congenita. Identifiers: Orphanet 1775, MedGen C0265965, MONDO:0015780.

Allele frequency attached by ClinVar (database versions not stated): gnomAD exomes 0.00041 and 0.00106; ExAC 0.00097; 1000 Genomes Project 30x 0.00156; 1000 Genomes Project 0.00160; gnomAD 0.00206 and 0.00220; ESP Exome Variant Server 0.00231; TOPMed 0.00238.
gnomAD v4.1: 976 of 1,613,710 alleles (0.06%); highest among the groups gnomAD compares: African/African-American, 0.57%; 3 homozygotes.

Submissions (15):

Labcorp Genetics (formerly Invitae), Labcorp
Classification: Benign for Dyskeratosis congenita, autosomal dominant 2; Idiopathic Pulmonary Fibrosis. Last evaluated: 2026-02-01. Review status: criteria provided, single submitter. Criteria: Invitae Variant Classification Sherloc (09022015). Collection method: clinical testing. Allele origin: germline.

Dasa
Classification: Likely benign. Last evaluated: 2025-11-25. Review status: criteria provided, single submitter. Criteria: DASA Assertion Criteria. Collection method: clinical testing. Allele origin: germline.
Comment: NM_198253.3(TERT):c.1574-7G>A is a splice-region variant predicted to affect normal RNA splicing. Based on the available data, this variant is classified as likely benign.

ARUP Laboratories, Molecular Genetics and Genomics, ARUP Laboratories
Classification: Likely benign. Last evaluated: 2025-06-02. Review status: criteria provided, single submitter. Criteria: ARUP Molecular Germline Variant Investigation Process 2024. Collection method: clinical testing. Allele origin: germline.

KCCC/NGS Laboratory, Kuwait Cancer Control Center
Classification: Benign for Melanoma, cutaneous malignant, susceptibility to, 9. Last evaluated: 2025-02-01. Review status: criteria provided, single submitter. Criteria: ACMG Guidelines, 2015. Collection method: clinical testing. Allele origin: germline. Affected: no.

Blueprint Genetics
Classification: Likely benign. Last evaluated: 2024-11-22. Review status: criteria provided, single submitter. Criteria: ACMG Guidelines, 2015. Collection method: clinical testing. Allele origin: germline.

CeGaT Center for Human Genetics Tuebingen
Classification: Likely benign. Last evaluated: 2023-11-01. Review status: criteria provided, single submitter. Criteria: CeGaT Center For Human Genetics Tuebingen Variant Classification Criteria Version 2. Collection method: clinical testing. Allele origin: germline. Affected: yes. Observed: 1 variant allele.
Comment: TERT: BP4, BS2

KCCC/NGS Laboratory, Kuwait Cancer Control Center
Classification: Benign for Acute myeloid leukemia. Last evaluated: 2023-07-07. Review status: criteria provided, single submitter. Criteria: ACMG Guidelines, 2015. Collection method: clinical testing. Allele origin: germline. Affected: yes.

Fulgent Genetics
Classification: Likely benign for Dyskeratosis congenita, autosomal dominant 1; Interstitial lung disease 2; Acute myeloid leukemia; Aplastic anemia; Dyskeratosis congenita, autosomal dominant 2; Pulmonary fibrosis and/or bone marrow failure, Telomere-related, 1; Melanoma, cutaneous malignant, susceptibility to, 9. Last evaluated: 2022-05-16. Review status: criteria provided, single submitter. Criteria: ACMG Guidelines, 2015. Collection method: clinical testing. Allele origin: unknown.

Genetic Services Laboratory, University of Chicago
Classification: Benign. Last evaluated: 2020-12-22. Review status: criteria provided, single submitter. Criteria: ACMG Guidelines, 2015. Collection method: clinical testing. Allele origin: germline. Affected: no.

Sema4
Classification: Likely benign for Dyskeratosis congenita. Last evaluated: 2020-12-22. Review status: criteria provided, single submitter. Criteria: Sema4 Curation Guidelines. Collection method: curation. Allele origin: germline.

Illumina Laboratory Services, Illumina
Classification: Likely benign for Dyskeratosis congenita, autosomal dominant 2. Last evaluated: 2018-01-13. Review status: criteria provided, single submitter. Criteria: ICSL Variant Classification Criteria 13 December 2019. Collection method: clinical testing. Allele origin: germline.
Comment: This variant was observed in the ICSL laboratory as part of a predisposition screen in an ostensibly healthy population. It had not been previously curated by ICSL or reported in the Human Gene Mutation Database (HGMD: prior to June 1st, 2018), and was therefore a candidate for classification through an automated scoring system. Utilizing variant allele frequency, disease prevalence and penetrance estimates, and inheritance mode, an automated score was calculated to assess if this variant is too frequent to cause the disease. Based on the score and internal cut-off values, a variant classified as likely benign is not then subjected to further curation. The score for this variant resulted in a classification of likely benign for this disease.

Illumina Laboratory Services, Illumina
Classification: Likely benign for Aplastic anemia. Last evaluated: 2018-01-13. Review status: criteria provided, single submitter. Criteria: ICSL Variant Classification Criteria 13 December 2019. Collection method: clinical testing. Allele origin: germline.
Comment: the same text as in the submission from Illumina Laboratory Services, Illumina above.

Illumina Laboratory Services, Illumina
Classification: Benign for Pulmonary fibrosis and/or bone marrow failure, Telomere-related, 1. Last evaluated: 2018-01-13. Review status: criteria provided, single submitter. Criteria: ICSL Variant Classification Criteria 13 December 2019. Collection method: clinical testing. Allele origin: germline.
Comment: This variant was observed in the ICSL laboratory as part of a predisposition screen in an ostensibly healthy population. It had not been previously curated by ICSL or reported in the Human Gene Mutation Database (HGMD: prior to June 1st, 2018), and was therefore a candidate for classification through an automated scoring system. Utilizing variant allele frequency, disease prevalence and penetrance estimates, and inheritance mode, an automated score was calculated to assess if this variant is too frequent to cause the disease. Based on the score and internal cut-off values, a variant classified as benign is not then subjected to further curation. The score for this variant resulted in a classification of benign for this disease.

Laboratory for Molecular Medicine, Mass General Brigham Personalized Medicine
Classification: Likely benign. Last evaluated: 2016-01-29. Review status: criteria provided, single submitter. Criteria: LMM Criteria. Collection method: clinical testing. Allele origin: germline. Observed: 1 variant allele.
Comment: c.1574-7G>A in intron 2 of TERT: This variant is not expected to have clinical s ignificance because it has been identified in 0.5% (57/10146) of African chromos omes. including 1 homozygote by the Exome Aggregation Consortium (ExAC; dbSNP rs34846301).

Breakthrough Genomics
Classification: Likely benign. Review status: criteria provided, single submitter. Criteria: ACMG Guidelines, 2015. Collection method: not provided. Allele origin: germline. Inheritance: Autosomal recessive inheritance. Affected: yes.

NM_198253.3(TERT):c.1574-7G>A

Gene: TERT (telomerase reverse transcriptase; minus strand). Cytogenetic location: 5p15.33.
Variant type: single nucleotide variant.
Coding change: c.1574-7G>A on transcript NM_198253.3 (MANE Select); 7 bases into the intron before coding-DNA position 1574, G replaced by A.
Molecular consequence: intron variant.
Genome position (GRCh38, 1-based): chr5:1,282,631, C>T on the plus strand (G>A on the coding strand, the complement: TERT is on the minus strand). VCF-style: chr5-1282631-C-T. GRCh37 (hg19) VCF-style: chr5-1282746-C-T.
Other names: c.1574-7G>A (NM_001193376.3).
Identifiers: ClinVar variation 228005 (VCV000228005.52), dbSNP rs34846301, ClinGen allele CA3184805.